The following is an entry in ClinVar:

NM_001393504.1(MAST3):c.602T>C (p.Met201Thr)

Gene: MAST3 (microtubule associated serine/threonine kinase 3; plus strand). Cytogenetic location: 19p13.11.
Variant type: single nucleotide variant.
Coding change: c.602T>C on transcript NM_001393504.1 (MANE Select); coding-DNA position 602, T replaced by C.
Protein change: p.Met201Thr; replaces methionine 201 with threonine.
Molecular consequence: missense variant.
Genome position (GRCh38, 1-based): chr19:18,123,624, T>C. VCF-style: chr19-18123624-T-C. GRCh37 (hg19) VCF-style: chr19-18234434-T-C.
Other names: NM_001393504.1(MAST3):c.602T>C; p.Met201Thr; c.530T>C, p.Met177Thr (NM_001393511.1, NM_001393519.1); c.533T>C, p.Met178Thr (NM_001393512.1, NM_001393517.1, NM_001393518.1 and 2 more transcripts); c.554T>C, p.Met185Thr (NM_001393513.1, NM_001393506.1); c.515T>C, p.Met172Thr (NM_001393514.1, NM_015016.2); c.512T>C, p.Met171Thr (NM_001393515.1, NM_001393520.1); c.536T>C, p.Met179Thr (NM_001393516.1, NM_001393508.1); and 6 more; short protein forms M163T, M171T, M172T, M177T, M178T, M179T, M185T, M194T.
Identifiers: ClinVar variation 3359903 (VCV003359903.2).

ClinVar aggregate classification (germline): Uncertain significance. Review status: criteria provided, multiple submitters, no conflicts (2 of 4 stars). 2 submissions from 2 submitters: Uncertain significance (2). Last evaluated 2026-03-05.

Conditions:
Neurodevelopmental disorder. Identifiers: MedGen C1535926, MeSH D065886, MONDO:0700092.

gnomAD v4.1: 1 of 1,595,930 alleles (0.000063%); no homozygotes.

Submissions (2):

Broad Center for Mendelian Genomics, Broad Institute of MIT and Harvard
Classification: Uncertain significance for Neurodevelopmental disorder. Last evaluated: 2026-03-05. Review status: criteria provided, single submitter. Criteria: ACMG Guidelines, 2015. Collection method: research. Allele origin: germline. Inheritance: Autosomal dominant inheritance. Study: GREGoR Consortium.
Comment: While this gene is still lacking sufficient evidence to establish a gene-disease relationship, we believe this is a possible novel gene candidate for a neurodevelopmental disorder. Given the limited information about this gene-disease relationship, the significance of the p.Met201Thr variant is uncertain.

GeneDx
Classification: Uncertain significance. Last evaluated: 2023-06-20. Review status: criteria provided, single submitter. Criteria: GeneDx Variant Classification Process June 2021. Collection method: clinical testing. Allele origin: germline. Affected: yes.
Comment: Not observed at significant frequency in large population cohorts (gnomAD); In silico analysis supports that this missense variant has a deleterious effect on protein structure/function; Has not been previously published as pathogenic or benign to our knowledge